The following is an entry in ClinVar:

NM_002519.3(NPAT):c.630A>C (p.Arg210Ser)

Gene: NPAT (nuclear protein, coactivator of histone transcription; minus strand). Cytogenetic location: 11q22.3.
Variant type: single nucleotide variant.
Coding change: c.630A>C on transcript NM_002519.3 (MANE Select); coding-DNA position 630, A replaced by C.
Protein change: p.Arg210Ser; replaces arginine 210 with serine.
Molecular consequence: missense variant.
Genome position (GRCh38, 1-based): chr11:108,188,106, T>G on the plus strand (A>C on the coding strand, the complement: NPAT is on the minus strand). VCF-style: chr11-108188106-T-G. GRCh37 (hg19) VCF-style: chr11-108058833-T-G.
Other names: c.630A>C, p.Arg210Ser (NM_001321307.1); short protein forms R210S.
Identifiers: ClinVar variation 2587673 (VCV002587673.2), dbSNP rs1382605033, ClinGen allele CA382522929.

ClinVar aggregate classification (germline): Uncertain significance (1 of 4 stars; one submission).

Submission:

Ambry Genetics
Classification: Uncertain significance. Last evaluated: 2023-07-27. Review status: criteria provided, single submitter. Criteria: Ambry Variant Classification Scheme 2023. Collection method: clinical testing. Allele origin: germline.
Comment: The p.R210S variant (also known as c.630A>C), located in coding exon 7 of the NPAT gene, results from an A to C substitution at nucleotide position 630. The arginine at codon 210 is replaced by serine, an amino acid with dissimilar properties. This amino acid position is conserved. In addition, this alteration is predicted to be tolerated by in silico analysis. Since supporting evidence is limited at this time, the clinical significance of this alteration remains unclear.